The following is an entry in ClinVar:

ClinVar aggregate classification (germline): Uncertain significance (1 of 4 stars; one submission).

Submission:

GeneDx
Classification: Uncertain significance. Last evaluated: 2024-10-13. Review status: criteria provided, single submitter. Criteria: GeneDx Variant Classification Process June 2021. Collection method: clinical testing. Allele origin: germline. Affected: yes.
Comment: Not observed at significant frequency in large population cohorts (gnomAD); In silico analysis indicates that this missense variant does not alter protein structure/function; Has not been previously published as pathogenic or benign to our knowledge

NM_001385012.1(NBEA):c.152C>T (p.Ser51Phe)

Gene: NBEA (neurobeachin; plus strand). Cytogenetic location: 13q13.3.
Variant type: single nucleotide variant.
Coding change: c.152C>T on transcript NM_001385012.1 (MANE Select); coding-DNA position 152, C replaced by T.
Protein change: p.Ser51Phe; replaces serine 51 with phenylalanine.
Molecular consequence: missense variant.
Genome position (GRCh38, 1-based): chr13:34,942,972, C>T. VCF-style: chr13-34942972-C-T. GRCh37 (hg19) VCF-style: chr13-35517109-C-T.
Other names: c.152C>T, p.Ser51Phe (NM_001379245.1, NM_015678.5); short protein forms S51F.
Identifiers: ClinVar variation 3777272 (VCV003777272.1).